The following is an entry in ClinVar:

NM_006493.4(CLN5):c.361G>A (p.Gly121Arg)

Gene: CLN5 (CLN5 lysosomal BMP synthase; plus strand). Cytogenetic location: 13q22.3.
Variant type: single nucleotide variant.
Coding change: c.361G>A on transcript NM_006493.4 (MANE Select); coding-DNA position 361, G replaced by A.
Protein change: p.Gly121Arg; replaces glycine 121 with arginine.
Molecular consequence: missense variant.
Genome position (GRCh38, 1-based): chr13:76,995,923, G>A. VCF-style: chr13-76995923-G-A. GRCh37 (hg19) VCF-style: chr13-77570058-G-A.
Other names: c.361G>A, p.Gly121Arg (NM_001366624.2); short protein forms G121R, G170R.
Identifiers: ClinVar variation 2627622 (VCV002627622.2), dbSNP rs1309552809, ClinGen allele CA388308679.

ClinVar aggregate classification (germline): Likely pathogenic (1 of 4 stars; one submission).

Conditions:
Neuronal ceroid lipofuscinosis 5 (CLN5). Also called: Neuronal ceroid lipofuscinosis Finnish variant; NEURONAL CEROID LIPOFUSCINOSIS, LATE INFANTILE, FINNISH VARIANT; CEROID LIPOFUSCINOSIS, NEURONAL, 5, VARIABLE AGE AT ONSET; CLN5-Related Neuronal Ceroid-Lipofuscinosis. Identifiers: Orphanet 168491, Orphanet 228360, MedGen C1850442, MONDO:0009745, OMIM 256731.

Allele frequency attached by ClinVar (database versions not stated): gnomAD exomes below 0.00001.

Submission:

Human Genome Lab, NIMHANS, National Institute of Mental Health and Neuro Sciences
Classification: Likely pathogenic for Neuronal ceroid lipofuscinosis 5. Review status: criteria provided, single submitter. Criteria: ACMG Guidelines, 2015. Collection method: clinical testing. Allele origin: germline. Inheritance: Autosomal recessive inheritance. Affected: yes. Observed: 1 homozygote.
Comment: The missense variant NM_006493.4:c.361G>A has not been reported previously as a pathogenic variant nor as a benign variant, to our knowledge. The NP_006484.2: p.Gly121Arg variant is novel (not in any individuals) in 1000 Genomes as well as in our inhouse database. The p.Gly121Arg variant is observed in 1/30,782 (0.0032%) alleles from individuals of gnomAD South Asian background in gnomAD only in heterozygous state. There is a moderate physicochemical difference between glycine and arginine. The p.Gly121Arg missense variant is predicted to be damaging by both SIFT and PolyPhen2. The glycine residue at codon 121 of CLN5 is conserved in all mammalian species. The nucleotide c.361 in CLN5 is predicted conserved by GERP++ and PhyloP across 100 vertebrates. In addition, the patient's clinical phenotype matches with that of the disorder caused by pathogenic variants in CLN5 gene. For these reasons, this variant has been classified as Likely Pathogenic (PM2 PP3 PP4_Strong).